The following is an entry in ClinVar:

ClinVar aggregate classification (germline): Likely benign. Review status: criteria provided, multiple submitters, no conflicts (2 of 4 stars). 3 submissions from 3 submitters: Likely benign (2). 1 of the submissions does not count toward it. Last evaluated 2025-08-16.

Conditions:
PRPS1-related disorder. Also called: PRPS1-related condition.
Charcot-Marie-Tooth Neuropathy X. Identifiers: MedGen CN118851.

Allele frequency attached by ClinVar (database versions not stated): gnomAD exomes 0.00001.
gnomAD v4.1: 2 of 1,211,665 alleles (0.00017%); no homozygotes.

Submissions (3):

Labcorp Genetics (formerly Invitae), Labcorp
Classification: Likely benign for Charcot-Marie-Tooth Neuropathy X. Last evaluated: 2025-08-16. Review status: criteria provided, single submitter. Criteria: Invitae Variant Classification Sherloc (09022015). Collection method: clinical testing. Allele origin: germline.

Blueprint Genetics
Classification: Likely benign. Last evaluated: 2024-03-19. Review status: criteria provided, single submitter. Criteria: ACMG Guidelines, 2015. Collection method: clinical testing. Allele origin: germline.

PreventionGenetics, part of Exact Sciences
Classification: Likely benign for PRPS1-related condition. Last evaluated: 2024-09-16. Review status: no assertion criteria provided. Collection method: clinical testing. Allele origin: germline. Not counted in ClinVar's aggregate classification.
Comment: This variant is classified as likely benign based on ACMG/AMP sequence variant interpretation guidelines (Richards et al. 2015 PMID: 25741868, with internal and published modifications).

NM_002764.4(PRPS1):c.459G>A (p.Lys153=)

Gene: PRPS1 (phosphoribosyl pyrophosphate synthetase 1; plus strand). Cytogenetic location: Xq22.3.
Variant type: single nucleotide variant.
Coding change: c.459G>A on transcript NM_002764.4 (MANE Select); coding-DNA position 459, G replaced by A.
Protein change: p.Lys153=; no amino-acid change (lysine 153 retained).
Molecular consequence: synonymous variant. On other transcripts: intron variant (1).
Genome position (GRCh38, 1-based): chrX:107,642,419, G>A. VCF-style: chrX-107642419-G-A. GRCh37 (hg19) VCF-style: chrX-106885649-G-A.
Other names: c.459G>A (NM_002764.3); c.-82-2758G>A (NM_001204402.2).
Identifiers: ClinVar variation 1159784 (VCV001159784.11), dbSNP rs1396476426, ClinGen allele CA517921097.
Genomic context (GRCh38, chrX:107,642,419, plus strand): 5'-TCTACAGGGCTTTTTTGATATCCCAGTAGACAATTTGTATGCAGAGCCGGCTGTCCTAAA[G>A]TGGATAAGGGAGAATATCTCTGAGTGGAGGAACTGCACTATTGTCTCACCTGATGCTGGT-3'
Protein context (NP_002755.1, residues 143-163): DNLYAEPAVL[Lys153=]WIRENISEWR